The following is an entry in ClinVar:

ClinVar aggregate classification (germline): Likely benign. Review status: criteria provided, single submitter (1 of 4 stars). 2 submissions from 2 submitters: Likely benign (1). 1 of the submissions does not count toward it. Last evaluated 2024-11-25.

Conditions:
HEPHL1-related disorder. Also called: HEPHL1-related condition.

Allele frequency attached by ClinVar (database versions not stated): gnomAD 0.00028; ESP Exome Variant Server 0.00032; ExAC 0.00034; TOPMed 0.00036.
gnomAD v4.1: 549 of 1,612,882 alleles (0.034%); highest among the groups gnomAD compares: Middle Eastern, 0.51%; 2 homozygotes.

Submissions (2):

Blueprint Genetics
Classification: Likely benign. Last evaluated: 2024-11-25. Review status: criteria provided, single submitter. Criteria: ACMG Guidelines, 2015. Collection method: clinical testing. Allele origin: germline.

PreventionGenetics, part of Exact Sciences
Classification: Likely benign for HEPHL1-related condition. Last evaluated: 2020-01-06. Review status: no assertion criteria provided. Collection method: clinical testing. Allele origin: germline. Not counted in ClinVar's aggregate classification.
Comment: This variant is classified as likely benign based on ACMG/AMP sequence variant interpretation guidelines (Richards et al. 2015 PMID: 25741868, with internal and published modifications).

NM_001098672.2(HEPHL1):c.2043C>T (p.His681=)

Gene: HEPHL1 (hephaestin like 1; plus strand). Cytogenetic location: 11q21.
Variant type: single nucleotide variant.
Coding change: c.2043C>T on transcript NM_001098672.2 (MANE Select); coding-DNA position 2043, C replaced by T.
Protein change: p.His681=; no amino-acid change (histidine 681 retained).
Molecular consequence: synonymous variant.
Genome position (GRCh38, 1-based): chr11:94,086,152, C>T. VCF-style: chr11-94086152-C-T. GRCh37 (hg19) VCF-style: chr11-93819318-C-T.
Identifiers: ClinVar variation 3051900 (VCV003051900.3), dbSNP rs371133631, ClinGen allele CA6233396.